The following is an entry in ClinVar:

ClinVar aggregate classification (germline): Likely benign. Review status: criteria provided, multiple submitters, no conflicts (2 of 4 stars). 3 submissions from 3 submitters: Likely benign (3). Last evaluated 2025-10-13.

Conditions:
Progressive familial heart block type IB (PFHB1B). Identifiers: Orphanet 871, MedGen C1970298, MONDO:0011474, OMIM 604559.
Cardiovascular phenotype. Identifiers: MedGen CN230736.

Allele frequency attached by ClinVar (database versions not stated): gnomAD 0.00001; ExAC 0.00002; TOPMed 0.00006; ESP Exome Variant Server 0.00015.
gnomAD v4.1: 79 of 1,613,578 alleles (0.0049%); highest among the groups gnomAD compares: South Asian, 0.011%; no homozygotes.

Submissions (3):

Labcorp Genetics (formerly Invitae), Labcorp
Classification: Likely benign for Progressive familial heart block type IB. Last evaluated: 2025-10-13. Review status: criteria provided, single submitter. Criteria: Invitae Variant Classification Sherloc (09022015). Collection method: clinical testing. Allele origin: germline.

Ambry Genetics
Classification: Likely benign for Cardiovascular phenotype. Last evaluated: 2019-08-08. Review status: criteria provided, single submitter. Criteria: Ambry Variant Classification Scheme 2023. Collection method: clinical testing. Allele origin: germline.

GeneDx
Classification: Likely benign. Last evaluated: 2016-10-07. Review status: criteria provided, single submitter. Criteria: GeneDx Variant Classification (06012015). Collection method: clinical testing. Allele origin: germline. Affected: yes.
Comment: This variant is considered likely benign or benign based on one or more of the following criteria: it is a conservative change, it occurs at a poorly conserved position in the protein, it is predicted to be benign by multiple in silico algorithms, and/or has population frequency not consistent with disease.

NM_017636.4(TRPM4):c.1215C>T (p.Arg405=)

Gene: TRPM4 (transient receptor potential cation channel subfamily M member 4; plus strand). Cytogenetic location: 19q13.33.
Variant type: single nucleotide variant.
Coding change: c.1215C>T on transcript NM_017636.4 (MANE Select); coding-DNA position 1215, C replaced by T.
Protein change: p.Arg405=; no amino-acid change (arginine 405 retained).
Molecular consequence: synonymous variant. On other transcripts: 5 prime UTR variant (1), intron variant (1).
Genome position (GRCh38, 1-based): chr19:49,181,413, C>T. VCF-style: chr19-49181413-C-T. GRCh37 (hg19) VCF-style: chr19-49684670-C-T.
Other names: c.1215C>T, p.Arg405= (NM_001195227.2); c.870C>T, p.Arg290= (NM_001321281.2); c.-339C>T (NM_001321282.2); c.693C>T, p.Arg231= (NM_001321283.2); c.202-1165C>T (NM_001321285.2).
Identifiers: ClinVar variation 389812 (VCV000389812.11), dbSNP rs140069078, ClinGen allele CA9569124.